The following is an entry in ClinVar:

ClinVar aggregate classification (germline): Uncertain significance (1 of 4 stars; one submission).

Conditions:
Dilated cardiomyopathy 1W (CMD1W). Identifiers: Orphanet 154, MedGen C1969639, MONDO:0012667, OMIM 611407.

gnomAD v4.1: 2 of 1,614,170 alleles (0.00012%); highest among the groups gnomAD compares: Non-Finnish European, 0.00017%; no homozygotes.

Submission:

Labcorp Genetics (formerly Invitae), Labcorp
Classification: Uncertain significance for Dilated cardiomyopathy 1W. Last evaluated: 2022-11-29. Review status: criteria provided, single submitter. Criteria: Invitae Variant Classification Sherloc (09022015). Collection method: clinical testing. Allele origin: germline.
Comment: Algorithms developed to predict the effect of missense changes on protein structure and function are either unavailable or do not agree on the potential impact of this missense change (SIFT: "Not Available"; PolyPhen-2: "Benign"; Align-GVGD: "Not Available"). In summary, the available evidence is currently insufficient to determine the role of this variant in disease. Therefore, it has been classified as a Variant of Uncertain Significance. ClinVar contains an entry for this variant (Variation ID: 536709). This variant has not been reported in the literature in individuals affected with VCL-related conditions. This variant is present in population databases (rs758969419, gnomAD 0.0009%). This sequence change replaces asparagine, which is neutral and polar, with aspartic acid, which is acidic and polar, at codon 959 of the VCL protein (p.Asn959Asp).

NM_014000.3(VCL):c.2875A>G (p.Asn959Asp)

Gene: VCL (vinculin; plus strand). Cytogenetic location: 10q22.2.
Variant type: single nucleotide variant.
Coding change: c.2875A>G on transcript NM_014000.3 (MANE Select); coding-DNA position 2875, A replaced by G.
Protein change: p.Asn959Asp; replaces asparagine 959 with aspartic acid.
Molecular consequence: missense variant. On other transcripts: intron variant (1).
Genome position (GRCh38, 1-based): chr10:74,112,038, A>G. VCF-style: chr10-74112038-A-G. GRCh37 (hg19) VCF-style: chr10-75871796-A-G.
Other names: c.2746-2146A>G (NM_003373.4); short protein forms N959D.
Identifiers: ClinVar variation 536709 (VCV000536709.7), dbSNP rs758969419, ClinGen allele CA5563328.